The following is an entry in ClinVar:

ClinVar aggregate classification (germline): Uncertain significance (1 of 4 stars; one submission).

Conditions:
Inborn genetic diseases. Identifiers: MedGen C0950123, MeSH D030342.

Submission:

Ambry Genetics
Classification: Uncertain significance for Inborn genetic diseases. Last evaluated: 2025-10-30. Review status: criteria provided, single submitter. Criteria: Ambry Variant Classification Scheme 2023. Collection method: clinical testing. Allele origin: germline.
Comment: The p.R241L variant (also known as c.722G>T), located in coding exon 8 of the AKT1 gene, results from a G to T substitution at nucleotide position 722. The arginine at codon 241 is replaced by leucine, an amino acid with dissimilar properties. This amino acid position is conserved. In addition, the in silico prediction for this alteration is inconclusive. Based on the available evidence, the clinical significance of this variant remains unclear.

NM_001382430.1(AKT1):c.722G>T (p.Arg241Leu)

Gene: AKT1 (AKT serine/threonine kinase 1; minus strand). Cytogenetic location: 14q32.33.
Variant type: single nucleotide variant.
Coding change: c.722G>T on transcript NM_001382430.1 (MANE Select); coding-DNA position 722, G replaced by T.
Protein change: p.Arg241Leu; replaces arginine 241 with leucine.
Molecular consequence: missense variant.
Genome position (GRCh38, 1-based): chr14:104,773,561, C>A on the plus strand (G>T on the coding strand, the complement: AKT1 is on the minus strand). VCF-style: chr14-104773561-C-A. GRCh37 (hg19) VCF-style: chr14-105239898-C-A.
Other names: c.722G>T, p.Arg241Leu (NM_001014431.2, NM_001014432.2, NM_001382431.1 and 3 more transcripts); short protein forms R241L.
Identifiers: ClinVar variation 4574067 (VCV004574067.1).